The following is an entry in ClinVar:

ClinVar aggregate classification (germline): Benign. Review status: criteria provided, multiple submitters, no conflicts (2 of 4 stars). 4 submissions from 4 submitters: Benign (4). Last evaluated 2026-02-03.

Conditions:
Congenital stationary night blindness 1C. Also called: Night blindness, congenital stationary (complete), 1C, autosomal recessive. Identifiers: Orphanet 215, MedGen C2750747, MONDO:0013183, OMIM 613216.

Allele frequency attached by ClinVar (database versions not stated): 1000 Genomes Project 0.01478; 1000 Genomes Project 30x 0.01546; TOPMed 0.03636; ExAC 0.04035; gnomAD 0.04048 and 0.04213; gnomAD exomes 0.04084 and 0.05350; ESP Exome Variant Server 0.04471.
gnomAD v4.1: 83,183 of 1,601,860 alleles (5.2%); highest among the groups gnomAD compares: Non-Finnish European, 6.1%; 2,567 homozygotes.

Submissions (4):

Labcorp Genetics (formerly Invitae), Labcorp
Classification: Benign. Last evaluated: 2026-02-03. Review status: criteria provided, single submitter. Criteria: Invitae Variant Classification Sherloc (09022015). Collection method: clinical testing. Allele origin: germline.

GeneDx
Classification: Benign. Last evaluated: 2018-04-18. Review status: criteria provided, single submitter. Criteria: GeneDx Variant Classification (06012015). Collection method: clinical testing. Allele origin: germline. Affected: yes.
Comment: This variant is considered likely benign or benign based on one or more of the following criteria: it is a conservative change, it occurs at a poorly conserved position in the protein, it is predicted to be benign by multiple in silico algorithms, and/or has population frequency not consistent with disease.

Illumina Laboratory Services, Illumina
Classification: Benign for Congenital stationary night blindness 1C. Last evaluated: 2018-01-12. Review status: criteria provided, single submitter. Criteria: ICSL Variant Classification Criteria 13 December 2019. Collection method: clinical testing. Allele origin: germline.
Comment: This variant was observed in the ICSL laboratory as part of a predisposition screen in an ostensibly healthy population. It had not been previously curated by ICSL or reported in the Human Gene Mutation Database (HGMD: prior to June 1st, 2018), and was therefore a candidate for classification through an automated scoring system. Utilizing variant allele frequency, disease prevalence and penetrance estimates, and inheritance mode, an automated score was calculated to assess if this variant is too frequent to cause the disease. Based on the score and internal cut-off values, a variant classified as benign is not then subjected to further curation. The score for this variant resulted in a classification of benign for this disease.

Breakthrough Genomics
Classification: Benign. Review status: criteria provided, single submitter. Criteria: ACMG Guidelines, 2015. Collection method: not provided. Allele origin: germline. Inheritance: Unknown mechanism. Affected: yes.

NM_001252024.2(TRPM1):c.3752A>C (p.Asn1251Thr)

Gene: TRPM1 (transient receptor potential cation channel subfamily M member 1; minus strand). Cytogenetic location: 15q13.3.
Variant type: single nucleotide variant.
Coding change: c.3752A>C on transcript NM_001252024.2 (MANE Select); coding-DNA position 3752, A replaced by C.
Protein change: p.Asn1251Thr; replaces asparagine 1251 with threonine.
Molecular consequence: missense variant.
Genome position (GRCh38, 1-based): chr15:31,002,948, T>G on the plus strand (A>C on the coding strand, the complement: TRPM1 is on the minus strand). VCF-style: chr15-31002948-T-G. GRCh37 (hg19) VCF-style: chr15-31295151-T-G.
Other names: c.3803A>C, p.Asn1268Thr (NM_001252020.2); c.3686A>C, p.Asn1229Thr (NM_002420.6); short protein forms N1229T, N1251T, N1268T.
Identifiers: ClinVar variation 315501 (VCV000315501.15), dbSNP rs17227996, ClinGen allele CA7451778.